The following is an entry in ClinVar:

ClinVar aggregate classification (germline): Benign. Review status: criteria provided, single submitter (1 of 4 stars). 2 submissions from 2 submitters: Benign (1). 1 of the submissions does not count toward it. Last evaluated 2026-01-08.

Conditions:
Transcobalamin I deficiency (TCN1D). Also called: COBALAMIN PSEUDODEFICIENCY DUE TO TRANSCOBALAMIN DEFICIENCY; COBALAMIN R BINDER PROTEIN DEFICIENCY; TCN1 DEFICIENCY. Identifiers: Orphanet 2967, MedGen C0342700, MONDO:0008659, OMIM 193090.
TCN1-related disorder. Also called: TCN1-related condition.

Allele frequency attached by ClinVar (database versions not stated): gnomAD 0.00002 and 0.00033; ESP Exome Variant Server 0.00008; TOPMed 0.00010; gnomAD exomes 0.00072 and 0.00152; ExAC 0.00176; 1000 Genomes Project 30x 0.00219; 1000 Genomes Project 0.00260.
gnomAD v4.1: 1,117 of 1,613,800 alleles (0.069%); highest among the groups gnomAD compares: South Asian, 1.1%; 16 homozygotes.

Submissions (2):

Labcorp Genetics (formerly Invitae), Labcorp
Classification: Benign for Transcobalamin I deficiency. Last evaluated: 2026-01-08. Review status: criteria provided, single submitter. Criteria: Invitae Variant Classification Sherloc (09022015). Collection method: clinical testing. Allele origin: germline.

PreventionGenetics, part of Exact Sciences
Classification: Benign for TCN1-related condition. Last evaluated: 2020-02-13. Review status: no assertion criteria provided. Collection method: clinical testing. Allele origin: germline. Not counted in ClinVar's aggregate classification.
Comment: This variant is classified as benign based on ACMG/AMP sequence variant interpretation guidelines (Richards et al. 2015 PMID: 25741868, with internal and published modifications).

NM_001062.4(TCN1):c.1114A>G (p.Ile372Val)

Gene: TCN1 (transcobalamin 1; minus strand). Cytogenetic location: 11q12.1.
Variant type: single nucleotide variant.
Coding change: c.1114A>G on transcript NM_001062.4 (MANE Select); coding-DNA position 1114, A replaced by G.
Protein change: p.Ile372Val; replaces isoleucine 372 with valine.
Molecular consequence: missense variant.
Genome position (GRCh38, 1-based): chr11:59,854,659, T>C on the plus strand (A>G on the coding strand, the complement: TCN1 is on the minus strand). VCF-style: chr11-59854659-T-C. GRCh37 (hg19) VCF-style: chr11-59622132-T-C.
Other names: c.1114A>G (NM_001062.3); short protein forms I372V.
Identifiers: ClinVar variation 1167704 (VCV001167704.11), dbSNP rs367928670, ClinGen allele CA6021814.